The following is an entry in ClinVar:

NM_012179.4(FBXO7):c.349G>T (p.Asp117Tyr)

Gene: FBXO7 (F-box protein 7; plus strand). Cytogenetic location: 22q12.3.
Variant type: single nucleotide variant.
Coding change: c.349G>T on transcript NM_012179.4 (MANE Select); coding-DNA position 349, G replaced by T.
Protein change: p.Asp117Tyr; replaces aspartic acid 117 with tyrosine.
Molecular consequence: missense variant.
Genome position (GRCh38, 1-based): chr22:32,479,207, G>T. VCF-style: chr22-32479207-G-T. GRCh37 (hg19) VCF-style: chr22-32875194-G-T.
Other names: c.112G>T, p.Asp38Tyr (NM_001033024.2); c.7G>T, p.Asp3Tyr (NM_001257990.2); short protein forms D38Y, D117Y, D3Y.
Identifiers: ClinVar variation 1969046 (VCV001969046.5), dbSNP rs2544655172, ClinGen allele CA411330612.

ClinVar aggregate classification (germline): Uncertain significance (1 of 4 stars; one submission).

Conditions:
Parkinsonian-pyramidal syndrome. Also called: PARKINSON DISEASE 15, AUTOSOMAL RECESSIVE; PARKINSON DISEASE 15, AUTOSOMAL RECESSIVE EARLY-ONSET; PALLIDOPYRAMIDAL SYNDROME. Identifiers: Orphanet 171695, MedGen C1850100, MONDO:0009830, OMIM 260300.

Submission:

Labcorp Genetics (formerly Invitae), Labcorp
Classification: Uncertain significance for Parkinsonian-pyramidal syndrome. Last evaluated: 2022-05-11. Review status: criteria provided, single submitter. Criteria: Invitae Variant Classification Sherloc (09022015). Collection method: clinical testing. Allele origin: germline.
Comment: This variant has not been reported in the literature in individuals affected with FBXO7-related conditions. This variant is not present in population databases (gnomAD no frequency). This sequence change replaces aspartic acid, which is acidic and polar, with tyrosine, which is neutral and polar, at codon 117 of the FBXO7 protein (p.Asp117Tyr). Algorithms developed to predict the effect of missense changes on protein structure and function are either unavailable or do not agree on the potential impact of this missense change (SIFT: "Deleterious"; PolyPhen-2: "Possibly Damaging"; Align-GVGD: "Class C0"). In summary, the available evidence is currently insufficient to determine the role of this variant in disease. Therefore, it has been classified as a Variant of Uncertain Significance.